The following is an entry in ClinVar:

NM_152490.5(B3GALNT2):c.1069G>A (p.Asp357Asn)

Gene: B3GALNT2 (beta-1,3-N-acetylgalactosaminyltransferase 2; minus strand). Cytogenetic location: 1q42.3.
Variant type: single nucleotide variant.
Coding change: c.1069G>A on transcript NM_152490.5 (MANE Select); coding-DNA position 1069, G replaced by A.
Protein change: p.Asp357Asn; replaces aspartic acid 357 with asparagine.
Molecular consequence: missense variant.
Genome position (GRCh38, 1-based): chr1:235,455,641, C>T on the plus strand (G>A on the coding strand, the complement: B3GALNT2 is on the minus strand). VCF-style: chr1-235455641-C-T. GRCh37 (hg19) VCF-style: chr1-235618953-C-T.
Other names: c.1069G>A (NM_152490.3, NM_152490.2); short protein forms D357N.
Identifiers: ClinVar variation 846522 (VCV000846522.10), dbSNP rs138443370, ClinGen allele CA1464700.

ClinVar aggregate classification (germline): Uncertain significance. Review status: criteria provided, multiple submitters, no conflicts (2 of 4 stars). 5 submissions from 5 submitters: Uncertain significance (5). Last evaluated 2024-07-31.

Conditions:
Inborn genetic diseases. Identifiers: MedGen C0950123, MeSH D030342.
Muscular dystrophy-dystroglycanopathy (congenital with brain and eye anomalies), type a, 11 (MDDGA11). Also called: WALKER-WARBURG SYNDROME OR MUSCLE-EYE-BRAIN DISEASE, B3GALNT2-RELATED; Congenital muscular dystrophy-dystroglycanopathy with brain and eye anomalies, type A11; Muscular dystrophy-dystroglycanopathy (congenital with brain and eye anomalies, type A, 11. Identifiers: Orphanet 588, Orphanet 899, MedGen C3554638, MONDO:0014071, OMIM 615181.

Allele frequency attached by ClinVar (database versions not stated): gnomAD exomes 0.00004; TOPMed 0.00005; ExAC 0.00007; gnomAD 0.00007 and 0.00008; ESP Exome Variant Server 0.00008.

Submissions (5):

Ambry Genetics
Classification: Uncertain significance for Inborn genetic diseases. Last evaluated: 2024-07-31. Review status: criteria provided, single submitter. Criteria: Ambry Variant Classification Scheme 2023. Collection method: clinical testing. Allele origin: germline.

Laboratorio de Genetica e Diagnostico Molecular, Hospital Israelita Albert Einstein
Classification: Uncertain significance for Muscular dystrophy-dystroglycanopathy (congenital with brain and eye anomalies), type a, 11. Last evaluated: 2024-02-29. Review status: criteria provided, single submitter. Criteria: ACMG Guidelines, 2015. Collection method: clinical testing. Allele origin: germline. Affected: yes.
Comment: ACMG classification criteria: PM2 supporting

GeneDx
Classification: Uncertain significance. Last evaluated: 2023-10-18. Review status: criteria provided, single submitter. Criteria: GeneDx Variant Classification Process June 2021. Collection method: clinical testing. Allele origin: germline. Affected: yes.
Comment: In silico analysis supports that this missense variant has a deleterious effect on protein structure/function; Has not been previously published as pathogenic or benign to our knowledge

Labcorp Genetics (formerly Invitae), Labcorp
Classification: Uncertain significance for Muscular dystrophy-dystroglycanopathy (congenital with brain and eye anomalies), type a, 11. Last evaluated: 2023-08-06. Review status: criteria provided, single submitter. Criteria: Invitae Variant Classification Sherloc (09022015). Collection method: clinical testing. Allele origin: germline.
Comment: This variant has not been reported in the literature in individuals affected with B3GALNT2-related conditions. In summary, the available evidence is currently insufficient to determine the role of this variant in disease. Therefore, it has been classified as a Variant of Uncertain Significance. Advanced modeling of protein sequence and biophysical properties (such as structural, functional, and spatial information, amino acid conservation, physicochemical variation, residue mobility, and thermodynamic stability) has been performed at Invitae for this missense variant, however the output from this modeling did not meet the statistical confidence thresholds required to predict the impact of this variant on B3GALNT2 protein function. ClinVar contains an entry for this variant (Variation ID: 846522). This variant is present in population databases (rs138443370, gnomAD 0.03%). This sequence change replaces aspartic acid, which is acidic and polar, with asparagine, which is neutral and polar, at codon 357 of the B3GALNT2 protein (p.Asp357Asn).

Revvity Omics, Revvity
Classification: Uncertain significance for Muscular dystrophy-dystroglycanopathy (congenital with brain and eye anomalies), type a, 11. Last evaluated: 2019-04-08. Review status: criteria provided, single submitter. Criteria: ACMG Guidelines, 2015. Collection method: clinical testing. Allele origin: germline.